The following is an entry in ClinVar:

NM_001264.5(CDSN):c.175A>T (p.Lys59Ter)

Genes: CDSN (corneodesmosin; minus strand), PSORS1C1 (psoriasis susceptibility 1 candidate 1; plus strand). Cytogenetic location: 6p21.33.
Variant type: single nucleotide variant.
Coding change: c.175A>T on transcript NM_001264.5 (MANE Select); coding-DNA position 175, A replaced by T.
Protein change: p.Lys59Ter; replaces lysine 59 with a stop codon.
Molecular consequence: nonsense. On other transcripts: intron variant (1).
Genome position (GRCh38, 1-based): chr6:31,117,440, T>A on the plus strand (A>T on the coding strand, the complement: CDSN is on the minus strand). VCF-style: chr6-31117440-T-A. GRCh37 (hg19) VCF-style: chr6-31085217-T-A.
Other names: c.-229+2549T>A (NM_014068.3); short protein forms K59*.
Identifiers: ClinVar variation 30269 (VCV000030269.37), dbSNP rs387906841, ClinGen allele CA129079.

ClinVar aggregate classification (germline): Pathogenic. Review status: criteria provided, multiple submitters, no conflicts (2 of 4 stars). 3 submissions from 3 submitters: Pathogenic (2). 1 of the submissions does not count toward it. Last evaluated 2025-11-19.

Conditions:
Peeling skin syndrome 1 (PSS1). Also called: SKIN PEELING, FAMILIAL CONTINUOUS GENERALIZED; Peeling skin syndrome type B; KERATOLYSIS EXFOLIATIVA CONGENITA. Identifiers: Orphanet 263543, Orphanet 263553, MedGen C5679693, MONDO:0024548, OMIM 270300.

Allele frequency attached by ClinVar (database versions not stated): ExAC below 0.00001; gnomAD exomes 0.00001 and 0.00004; TOPMed 0.00003; gnomAD 0.00004.
gnomAD v4.1: 66 of 1,558,856 alleles (0.0042%); highest among the groups gnomAD compares: Non-Finnish European, 0.0056%; no homozygotes.

Submissions (3):

Labcorp Genetics (formerly Invitae), Labcorp
Classification: Pathogenic. Last evaluated: 2025-11-19. Review status: criteria provided, single submitter. Criteria: Invitae Variant Classification Sherloc (09022015). Collection method: clinical testing. Allele origin: germline.
Comment: This sequence change creates a premature translational stop signal (p.Lys59*) in the CDSN gene. While this is not anticipated to result in nonsense mediated decay, it is expected to disrupt the last 471 amino acid(s) of the CDSN protein. This variant is present in population databases (rs387906841, gnomAD 0.003%). This premature translational stop signal has been observed in individuals with autosomal recessive peeling skin disease (PMID: 20691404, 26014679). It has also been observed to segregate with disease in related individuals. ClinVar contains an entry for this variant (Variation ID: 30269). For these reasons, this variant has been classified as Pathogenic.

CeGaT Center for Human Genetics Tuebingen
Classification: Pathogenic. Last evaluated: 2021-08-01. Review status: criteria provided, single submitter. Criteria: CeGaT Center For Human Genetics Tuebingen Variant Classification Criteria Version 2. Collection method: clinical testing. Allele origin: germline. Affected: yes. Observed: 1 variant allele.

OMIM
Classification: Pathogenic for PEELING SKIN SYNDROME 1. Last evaluated: 2010-08-13. Review status: no assertion criteria provided. Collection method: literature only. Allele origin: germline. Not counted in ClinVar's aggregate classification.

Literature cited by the submitters: PubMed 20691404 (cited by Labcorp Genetics (formerly Invitae), Labcorp and OMIM); PubMed 26014679 (cited by Labcorp Genetics (formerly Invitae), Labcorp).